The following is an entry in ClinVar:

NM_177438.3(DICER1):c.3389A>G (p.Glu1130Gly)

Gene: DICER1 (dicer 1, ribonuclease III; minus strand). Cytogenetic location: 14q32.13.
Variant type: single nucleotide variant.
Coding change: c.3389A>G on transcript NM_177438.3 (MANE Select); coding-DNA position 3389, A replaced by G.
Protein change: p.Glu1130Gly; replaces glutamic acid 1130 with glycine.
Molecular consequence: missense variant.
Genome position (GRCh38, 1-based): chr14:95,104,007, T>C on the plus strand (A>G on the coding strand, the complement: DICER1 is on the minus strand). VCF-style: chr14-95104007-T-C. GRCh37 (hg19) VCF-style: chr14-95570344-T-C.
Other names: c.3389A>G, p.Glu1130Gly (NM_001195573.1, NM_001271282.3, NM_001291628.2 and 1 more transcripts); short protein forms E1130G.
Identifiers: ClinVar variation 578411 (VCV000578411.10), dbSNP rs748728275, ClinGen allele CA390875642.

ClinVar aggregate classification (germline): Uncertain significance (1 of 4 stars; one submission).

Conditions:
DICER1-related tumor predisposition. Also called: DICER1 syndrome; DICER1-related pleuropulmonary blastoma cancer predisposition syndrome. Identifiers: Orphanet 284343, MedGen C3839822, MONDO:0100216.

Submission:

Labcorp Genetics (formerly Invitae), Labcorp
Classification: Uncertain significance for DICER1-related tumor predisposition. Last evaluated: 2018-02-08. Review status: criteria provided, single submitter. Criteria: Invitae Variant Classification Sherloc (09022015). Collection method: clinical testing. Allele origin: germline.
Comment: This sequence change replaces glutamic acid with glycine at codon 1130 of the DICER1 protein (p.Glu1130Gly). The glutamic acid residue is moderately conserved and there is a moderate physicochemical difference between glutamic acid and glycine. This variant is not present in population databases (ExAC no frequency). This variant has not been reported in the literature in individuals with DICER1-related disease. Algorithms developed to predict the effect of missense changes on protein structure and function (SIFT, PolyPhen-2, Align-GVGD) all suggest that this variant is likely to be tolerated, but these predictions have not been confirmed by published functional studies and their clinical significance is uncertain. In summary, the available evidence is currently insufficient to determine the role of this variant in disease. Therefore, it has been classified as a Variant of Uncertain Significance.